The following is an entry in ClinVar:

ClinVar aggregate classification (germline): Uncertain significance (1 of 4 stars; one submission).

Submission:

GeneDx
Classification: Uncertain significance. Last evaluated: 2026-04-17. Review status: criteria provided, single submitter. Criteria: GeneDx Variant Classification Process June 2021. Collection method: clinical testing. Allele origin: germline.
Comment: Not observed at significant frequency in large population cohorts (gnomAD); In silico analysis suggests that this missense variant does not alter protein structure/function; Has not been previously published as pathogenic or benign to our knowledge

NM_000718.4(CACNA1B):c.2728C>A (p.Pro910Thr)

Gene: CACNA1B (calcium voltage-gated channel subunit alpha1 B; plus strand). Cytogenetic location: 9q34.3.
Variant type: single nucleotide variant.
Coding change: c.2728C>A on transcript NM_000718.4 (MANE Select); coding-DNA position 2728, C replaced by A.
Protein change: p.Pro910Thr; replaces proline 910 with threonine.
Molecular consequence: missense variant.
Genome position (GRCh38, 1-based): chr9:138,023,471, C>A. VCF-style: chr9-138023471-C-A. GRCh37 (hg19) VCF-style: chr9-140917923-C-A.
Other names: c.2728C>A, p.Pro910Thr (NM_001243812.2); short protein forms P910T.
Identifiers: ClinVar variation 5037048 (VCV005037048.1).